The following is an entry in ClinVar:

NM_000388.4(CASR):c.2511G>T (p.Glu837Asp)

Gene: CASR (calcium sensing receptor; plus strand). Cytogenetic location: 3q21.1.
Variant type: single nucleotide variant.
Coding change: c.2511G>T on transcript NM_000388.4 (MANE Select); coding-DNA position 2511, G replaced by T.
Protein change: p.Glu837Asp; replaces glutamic acid 837 with aspartic acid.
Molecular consequence: missense variant.
Genome position (GRCh38, 1-based): chr3:122,284,465, G>T. VCF-style: chr3-122284465-G-T. GRCh37 (hg19) VCF-style: chr3-122003312-G-T.
Other names: c.2541G>T, p.Glu847Asp (NM_001178065.2); short protein forms E837D, E847D.
Identifiers: ClinVar variation 2019483 (VCV002019483.5), dbSNP rs2107650636, ClinGen allele CA354160112.

ClinVar aggregate classification (germline): Conflicting classifications of pathogenicity. Review status: criteria provided, conflicting classifications (1 of 4 stars). 2 submissions from 2 submitters: Likely pathogenic (1); Uncertain significance (1). Last evaluated 2022-12-13.

Conditions:
CASR-related disorder. Also called: CASR-related condition.
Autosomal dominant hypocalcemia 1 (HYPOC1). Also called: HYPOCALCEMIA, FAMILIAL. Identifiers: MedGen C3715128, MONDO:0011013, OMIM 601198.
Familial hypocalciuric hypercalcemia (FHH). Also called: Familial benign hypercalcemia. Identifiers: Orphanet 405, MedGen C1809471, MONDO:0018458.

Submissions (2):

Labcorp Genetics (formerly Invitae), Labcorp
Classification: Uncertain significance for Familial hypocalciuric hypercalcemia; Autosomal dominant hypocalcemia 1. Last evaluated: 2022-12-13. Review status: criteria provided, single submitter. Criteria: Invitae Variant Classification Sherloc (09022015). Collection method: clinical testing. Allele origin: germline.
Comment: This sequence change replaces glutamic acid, which is acidic and polar, with aspartic acid, which is acidic and polar, at codon 837 of the CASR protein (p.Glu837Asp). This variant is not present in population databases (gnomAD no frequency). This missense change has been observed in individual(s) with clinical features of CASR-related conditions (PMID: 22422767). Algorithms developed to predict the effect of missense changes on protein structure and function are either unavailable or do not agree on the potential impact of this missense change (SIFT: "Deleterious"; PolyPhen-2: "Probably Damaging"; Align-GVGD: "Class C0"). Experimental studies have shown that this missense change affects CASR function (PMID: 15591042). In summary, the available evidence is currently insufficient to determine the role of this variant in disease. Therefore, it has been classified as a Variant of Uncertain Significance.

Blueprint Genetics
Classification: Likely pathogenic for CASR-related disorders. Last evaluated: 2019-09-30. Review status: criteria provided, single submitter. Criteria: ACMG Guidelines, 2015. Collection method: clinical testing. Allele origin: germline. Affected: yes. Observed: 1 variant allele.

Literature cited by the submitters: PubMed 22422767 (cited by Labcorp Genetics (formerly Invitae), Labcorp); PubMed 15591042 (cited by Labcorp Genetics (formerly Invitae), Labcorp).